The following is an entry in ClinVar:

NM_144573.4(NEXN):c.219+25G>A

Gene: NEXN (nexilin F-actin binding protein; plus strand). Cytogenetic location: 1p31.1.
Variant type: single nucleotide variant.
Coding change: c.219+25G>A on transcript NM_144573.4 (MANE Select); 25 bases into the intron after coding-DNA position 219, G replaced by A.
Molecular consequence: intron variant.
Genome position (GRCh38, 1-based): chr1:77,917,782, G>A. VCF-style: chr1-77917782-G-A. GRCh37 (hg19) VCF-style: chr1-78383467-G-A.
Other names: c.28-178G>A (NM_001172309.2).
Identifiers: ClinVar variation 671176 (VCV000671176.4), dbSNP rs1749913, ClinGen allele CA918586.

ClinVar aggregate classification (germline): Benign. Review status: criteria provided, multiple submitters, no conflicts (2 of 4 stars). 4 submissions from 4 submitters: Benign (4). Last evaluated 2026-09-21.

Allele frequency attached by ClinVar (database versions not stated): gnomAD 0.80761 and 0.80603; ESP Exome Variant Server 0.82550; 1000 Genomes Project 0.76378; 1000 Genomes Project 30x 0.76483; TOPMed 0.80559; ExAC 0.81173; gnomAD exomes 0.80651.
gnomAD v4.1: 1,315,004 of 1,565,030 alleles (84%); highest among the groups gnomAD compares: Middle Eastern, 87%; 554,503 homozygotes.

Submissions (4):

Molecular Diagnostic Laboratory for Inherited Cardiovascular Disease, Montreal Heart Institute
Classification: Benign. Last evaluated: 2026-09-21. Review status: criteria provided, single submitter. Criteria: ACMG Guidelines, 2015. Collection method: clinical testing. Allele origin: germline. Affected: no.
Comment: BA1

GeneDx
Classification: Benign. Last evaluated: 2018-06-14. Review status: criteria provided, single submitter. Criteria: GeneDx Variant Classification (06012015). Collection method: clinical testing. Allele origin: germline. Affected: yes.
Comment: This variant is considered likely benign or benign based on one or more of the following criteria: it is a conservative change, it occurs at a poorly conserved position in the protein, it is predicted to be benign by multiple in silico algorithms, and/or has population frequency not consistent with disease.

Mayo Clinic Laboratories, Mayo Clinic
Classification: Benign. Last evaluated: 2014-03-07. Review status: criteria provided, single submitter. Criteria: ACMG Guidelines, 2015. Collection method: clinical testing. Allele origin: germline. Observed: 661 variant alleles.

Breakthrough Genomics
Classification: Benign. Review status: criteria provided, single submitter. Criteria: ACMG Guidelines, 2015. Collection method: not provided. Allele origin: germline. Inheritance: Autosomal dominant inheritance. Affected: yes.